The following is an entry in ClinVar:

NM_033198.4(PIGS):c.1667G>A (p.Ter556=)

Gene: PIGS (phosphatidylinositol glycan anchor biosynthesis class S; minus strand). Cytogenetic location: 17q11.2.
Variant type: single nucleotide variant.
Coding change: c.1667G>A on transcript NM_033198.4 (MANE Select); coding-DNA position 1667, G replaced by A.
Protein change: p.Ter556=.
Molecular consequence: synonymous variant.
Genome position (GRCh38, 1-based): chr17:28,554,221, C>T on the plus strand (G>A on the coding strand, the complement: PIGS is on the minus strand). VCF-style: chr17-28554221-C-T. GRCh37 (hg19) VCF-style: chr17-26881239-C-T.
Identifiers: ClinVar variation 3045738 (VCV003045738.2), dbSNP rs778022172, ClinGen allele CA8459938.

ClinVar aggregate classification (germline): Likely benign (0 of 4 stars; one submission).

Conditions:
PIGS-related disorder. Also called: PIGS-related condition.

Allele frequency attached by ClinVar (database versions not stated): gnomAD 0.00001; TOPMed 0.00022; gnomAD exomes 0.00024; ExAC 0.00045.
gnomAD v4.1: 146 of 1,613,816 alleles (0.009%); highest among the groups gnomAD compares: Admixed American, 0.24%; 1 homozygote.

Submission:

PreventionGenetics, part of Exact Sciences
Classification: Likely benign for PIGS-related condition. Last evaluated: 2019-11-07. Review status: no assertion criteria provided. Collection method: clinical testing. Allele origin: germline.
Comment: This variant is classified as likely benign based on ACMG/AMP sequence variant interpretation guidelines (Richards et al. 2015 PMID: 25741868, with internal and published modifications).